The following is an entry in ClinVar:

ClinVar aggregate classification (germline): Conflicting classifications of pathogenicity. Review status: criteria provided, conflicting classifications (1 of 4 stars). 3 submissions from 3 submitters: Uncertain significance (2); Likely benign (1). Last evaluated 2025-11-19.

Conditions:
Hereditary cancer-predisposing syndrome. Also called: Neoplastic Syndromes, Hereditary; Hereditary neoplastic syndrome; Hereditary Cancer Syndrome; Tumor predisposition. Identifiers: Orphanet 140162, MedGen C0027672, MeSH D009386, MONDO:0015356.
Gorlin syndrome. Also called: Nevoid Basal Cell Carcinoma Syndrome; Basal cell nevus syndrome. Identifiers: Orphanet 377, MedGen C0004779, MONDO:0007187.

Allele frequency attached by ClinVar (database versions not stated): TOPMed below 0.00001; ExAC 0.00001; gnomAD exomes 0.00001; gnomAD 0.00002.
gnomAD v4.1: 21 of 1,611,074 alleles (0.0013%); highest among the groups gnomAD compares: Non-Finnish European, 0.0017%; no homozygotes.

Submissions (3):

Labcorp Genetics (formerly Invitae), Labcorp
Classification: Likely benign for Gorlin syndrome. Last evaluated: 2025-11-19. Review status: criteria provided, single submitter. Criteria: Invitae Variant Classification Sherloc (09022015). Collection method: clinical testing. Allele origin: germline.

Ambry Genetics
Classification: Uncertain significance for Hereditary cancer-predisposing syndrome. Last evaluated: 2024-04-19. Review status: criteria provided, single submitter. Criteria: Ambry Variant Classification Scheme 2023. Collection method: clinical testing. Allele origin: germline.
Comment: The p.D46H variant (also known as c.136G>C), located in coding exon 1 of the PTCH1 gene, results from a G to C substitution at nucleotide position 136. The aspartic acid at codon 46 is replaced by histidine, an amino acid with similar properties. This amino acid position is highly conserved in available vertebrate species. In addition, the in silico prediction for this alteration is inconclusive. Since supporting evidence is limited at this time, the clinical significance of this alteration remains unclear.

GeneDx
Classification: Uncertain significance. Last evaluated: 2024-01-19. Review status: criteria provided, single submitter. Criteria: GeneDx Variant Classification Process June 2021. Collection method: clinical testing. Allele origin: germline. Affected: yes.
Comment: Not observed at significant frequency in large population cohorts (gnomAD); In silico analysis supports that this missense variant does not alter protein structure/function; Has not been previously published as pathogenic or benign to our knowledge

NM_000264.5(PTCH1):c.136G>C (p.Asp46His)

Genes: PTCH1 (patched 1; minus strand), LOC130002133 (ATAC-STARR-seq lymphoblastoid silent region 20071; plus strand). Cytogenetic location: 9q22.32.
Variant type: single nucleotide variant.
Coding change: c.136G>C on transcript NM_000264.5 (MANE Select); coding-DNA position 136, G replaced by C.
Protein change: p.Asp46His; replaces aspartic acid 46 with histidine.
Molecular consequence: missense variant. On other transcripts: non-coding transcript variant (1), intron variant (3).
Genome position (GRCh38, 1-based): chr9:95,508,226, C>G on the plus strand (G>C on the coding strand, the complement: PTCH1 is on the minus strand). VCF-style: chr9-95508226-C-G. GRCh37 (hg19) VCF-style: chr9-98270508-C-G.
Other names: c.136G>C, p.Asp46His (NM_001354918.2); c.199-1627G>C (NM_001083603.3); c.4-1627G>C (NM_001083602.3, NM_001354919.2); short protein forms D46H.
Identifiers: ClinVar variation 657958 (VCV000657958.13), dbSNP rs760670294, ClinGen allele CA5139039.